The following is an entry in ClinVar:

ClinVar aggregate classification (germline): Uncertain significance (1 of 4 stars; one submission).

Conditions:
Wilms tumor 1 (WT1). Also called: Wilms tumor, somatic. Identifiers: Orphanet 654, MedGen CN033288, MONDO:0008679, OMIM 194070.

Submission:

Labcorp Genetics (formerly Invitae), Labcorp
Classification: Uncertain significance for Wilms tumor 1. Last evaluated: 2021-02-24. Review status: criteria provided, single submitter. Criteria: Invitae Variant Classification Sherloc (09022015). Collection method: clinical testing. Allele origin: germline.
Comment: This sequence change falls in intron 4 of the GPC3 gene. It does not directly change the encoded amino acid sequence of the GPC3 protein. It affects a nucleotide within the consensus splice site of the intron. This variant is not present in population databases (ExAC no frequency). This variant has not been reported in the literature in individuals with GPC3-related conditions. Nucleotide substitutions within the consensus splice site are a relatively common cause of aberrant splicing (PMID: 17576681, 9536098). Algorithms developed to predict the effect of sequence changes on RNA splicing suggest that this variant is not likely to affect RNA splicing, but this prediction has not been confirmed by published transcriptional studies. In summary, the available evidence is currently insufficient to determine the role of this variant in disease. Therefore, it has been classified as a Variant of Uncertain Significance.

Literature cited by the submitters: PubMed 17576681; PubMed 9536098.

NM_004484.4(GPC3):c.1166+6A>G

Gene: GPC3 (glypican 3; minus strand). Cytogenetic location: Xq26.2.
Variant type: single nucleotide variant.
Coding change: c.1166+6A>G on transcript NM_004484.4 (MANE Select); 6 bases into the intron after coding-DNA position 1166, A replaced by G.
Molecular consequence: intron variant.
Genome position (GRCh38, 1-based): chrX:133,699,889, T>C on the plus strand (A>G on the coding strand, the complement: GPC3 is on the minus strand). VCF-style: chrX-133699889-T-C. GRCh37 (hg19) VCF-style: chrX-132833917-T-C.
Other names: c.1004+6A>G (NM_001164619.2); c.1118+6A>G (NM_001164618.2); c.1235+6A>G (NM_001164617.2).
Identifiers: ClinVar variation 1464192 (VCV001464192.6), dbSNP rs2124437397, ClinGen allele CA2573159326.